The following is an entry in ClinVar:

NM_005751.5(AKAP9):c.2305A>G (p.Lys769Glu)

Gene: AKAP9 (A-kinase anchoring protein 9; plus strand). Cytogenetic location: 7q21.2.
Variant type: single nucleotide variant.
Coding change: c.2305A>G on transcript NM_005751.5 (MANE Select); coding-DNA position 2305, A replaced by G.
Protein change: p.Lys769Glu; replaces lysine 769 with glutamic acid.
Molecular consequence: missense variant.
Genome position (GRCh38, 1-based): chr7:92,002,222, A>G. VCF-style: chr7-92002222-A-G. GRCh37 (hg19) VCF-style: chr7-91631536-A-G.
Other names: c.2305A>G, p.Lys769Glu (NM_147185.3); short protein forms K769E.
Identifiers: ClinVar variation 937348 (VCV000937348.9), dbSNP rs1799261123, ClinGen allele CA368123810.

ClinVar aggregate classification (germline): Uncertain significance (1 of 4 stars; one submission).

Conditions:
Long QT syndrome (LQTS). Identifiers: MedGen C0023976, MeSH D008133, MONDO:0002442. Disease mechanism: loss of function. Inheritance: Various modes of inheritance.

Allele frequency attached by ClinVar (database versions not stated): TOPMed below 0.00001; gnomAD exomes 0.00001.
gnomAD v4.1: 12 of 1,590,674 alleles (0.00075%); highest among the groups gnomAD compares: Non-Finnish European, 0.001%; no homozygotes.

Submission:

Labcorp Genetics (formerly Invitae), Labcorp
Classification: Uncertain significance for Long QT syndrome. Last evaluated: 2020-10-13. Review status: criteria provided, single submitter. Criteria: Invitae Variant Classification Sherloc (09022015). Collection method: clinical testing. Allele origin: germline.
Comment: In summary, the available evidence is currently insufficient to determine the role of this variant in disease. Therefore, it has been classified as a Variant of Uncertain Significance. Algorithms developed to predict the effect of missense changes on protein structure and function are either unavailable or do not agree on the potential impact of this missense change (SIFT: "Deleterious"; PolyPhen-2: "Probably Damaging"; Align-GVGD: "Class C0"). This variant has not been reported in the literature in individuals with AKAP9-related conditions. This variant is not present in population databases (ExAC no frequency). This sequence change replaces lysine with glutamic acid at codon 769 of the AKAP9 protein (p.Lys769Glu). The lysine residue is moderately conserved and there is a small physicochemical difference between lysine and glutamic acid.